The following is an entry in ClinVar:

ClinVar aggregate classification (germline): Conflicting classifications of pathogenicity. Review status: criteria provided, conflicting classifications (1 of 4 stars). 9 submissions from 9 submitters: Uncertain significance (1); Benign (3); Likely benign (4). 1 of the submissions does not count toward it. Last evaluated 2026-07-01.

Conditions:
CASK-related disorder. Also called: CASK-related disorders; CASK-related condition.
Inborn genetic diseases. Identifiers: MedGen C0950123, MeSH D030342.
Intellectual disability, CASK-related, X-linked. Identifiers: MedGen CN043158.

Allele frequency attached by ClinVar (database versions not stated): gnomAD exomes 0.00016; ExAC 0.00021; 1000 Genomes Project 30x 0.00042; gnomAD 0.00052 and 0.00053; 1000 Genomes Project 0.00053; TOPMed 0.00057; ESP Exome Variant Server 0.00085.
gnomAD v4.1: 128 of 1,205,208 alleles (0.011%); highest among the groups gnomAD compares: African/African-American, 0.16%; no homozygotes.

Submissions (9):

CeGaT Center for Human Genetics Tuebingen
Classification: Likely benign. Last evaluated: 2026-07-01. Review status: criteria provided, single submitter. Criteria: CeGaT Center For Human Genetics Tuebingen Variant Classification Criteria Version 2. Collection method: clinical testing. Allele origin: germline. Affected: yes. Observed: 2 variant alleles.
Comment: CASK: BS2

Labcorp Genetics (formerly Invitae), Labcorp
Classification: Benign for Intellectual disability, CASK-related, X-linked. Last evaluated: 2025-11-05. Review status: criteria provided, single submitter. Criteria: Invitae Variant Classification Sherloc (09022015). Collection method: clinical testing. Allele origin: germline.

Mayo Clinic Laboratories, Mayo Clinic
Classification: Benign. Last evaluated: 2024-11-01. Review status: criteria provided, single submitter. Criteria: ACMG Guidelines, 2015. Collection method: clinical testing. Allele origin: germline. Observed: 1 variant allele.
Comment: BS1, BS2, BP4

Blueprint Genetics
Classification: Likely benign. Last evaluated: 2024-10-30. Review status: criteria provided, single submitter. Criteria: ACMG Guidelines, 2015. Collection method: clinical testing. Allele origin: germline.

Genetic Services Laboratory, University of Chicago
Classification: Likely benign. Last evaluated: 2018-11-29. Review status: criteria provided, single submitter. Criteria: ACMG Guidelines, 2015. Collection method: clinical testing. Allele origin: germline. Affected: no.

Eurofins Ntd Llc (ga)
Classification: Uncertain significance. Last evaluated: 2017-11-21. Review status: criteria provided, single submitter. Criteria: EGL Classification Definitions 2015. Collection method: clinical testing. Allele origin: germline. Observed: 2 variant alleles, 2 heterozygotes.

Ambry Genetics
Classification: Benign for Inborn genetic diseases. Last evaluated: 2017-07-28. Review status: criteria provided, single submitter. Criteria: Ambry Variant Classification Scheme 2023. Collection method: clinical testing. Allele origin: germline.

Center for Pediatric Genomic Medicine, Children's Mercy Hospital and Clinics
Classification: Likely benign. Last evaluated: 2017-06-12. Review status: criteria provided, single submitter. Criteria: ACMG Guidelines, 2015. Collection method: clinical testing. Allele origin: germline.

PreventionGenetics, part of Exact Sciences
Classification: Benign for CASK-related condition. Last evaluated: 2024-05-18. Review status: no assertion criteria provided. Collection method: clinical testing. Allele origin: germline. Not counted in ClinVar's aggregate classification.
Comment: This variant is classified as benign based on ACMG/AMP sequence variant interpretation guidelines (Richards et al. 2015 PMID: 25741868, with internal and published modifications).

NM_001367721.1(CASK):c.2297G>A (p.Arg766Gln)

Gene: CASK (calcium/calmodulin dependent serine protein kinase; minus strand). Cytogenetic location: Xp11.4.
Variant type: single nucleotide variant.
Coding change: c.2297G>A on transcript NM_001367721.1 (MANE Select); coding-DNA position 2297, G replaced by A.
Protein change: p.Arg766Gln; replaces arginine 766 with glutamine.
Molecular consequence: missense variant.
Genome position (GRCh38, 1-based): chrX:41,534,726, C>T on the plus strand (G>A on the coding strand, the complement: CASK is on the minus strand). VCF-style: chrX-41534726-C-T. GRCh37 (hg19) VCF-style: chrX-41393979-C-T.
Other names: p.Arg761Gln; c.2213G>A, p.Arg738Gln (NM_001126054.3); c.2210G>A, p.Arg737Gln (NM_001126055.3); c.2279G>A, p.Arg760Gln (NM_001410745.1); c.2282G>A, p.Arg761Gln (NM_003688.4); short protein forms R761Q, R738Q, R737Q, R766Q, R760Q.
Identifiers: ClinVar variation 282560 (VCV000282560.28), dbSNP rs137964936, ClinGen allele CA10390044.
Genomic context (GRCh38, chrX:41,534,726, plus strand): 5'-TAGGAAAAATATAATGAAAAGAGATTGAGACATTGCTTACGTGGAATAGGGTACGCAAAC[C>T]GGTCTGGGTGCTTTGTGATGAGAGTGTTTTTTATGTGTCTTCTCCCAACACCATGTGCGC-3'
Protein context (NP_001354650.1, residues 756-776): KNTLITKHPD[Arg766Gln]FAYPIPHTTR